The following is an entry in ClinVar:

ClinVar aggregate classification (germline): Uncertain significance. Review status: criteria provided, multiple submitters, no conflicts (2 of 4 stars). 2 submissions from 2 submitters: Uncertain significance (2). Last evaluated 2024-03-12.

Conditions:
Polycystic kidney disease, adult type (PKD1). Also called: Polycystic Kidney Disease 1, Autosomal Dominant; Polycystic kidney disease 1; Polycystic kidney disease 1, severe; POLYCYSTIC KIDNEY DISEASE 1 WITH OR WITHOUT POLYCYSTIC LIVER DISEASE; POLYCYSTIC KIDNEY DISEASE, ADULT, TYPE I; Polycystic Kidney, Autosomal Dominant. Identifiers: MedGen C3149841, MONDO:0008263, OMIM 173900.

Allele frequency attached by ClinVar (database versions not stated): gnomAD exomes below 0.00001; ExAC 0.00001; gnomAD 0.00001.
gnomAD v4.1: 2 of 1,609,630 alleles (0.00012%); highest among the groups gnomAD compares: African/African-American, 0.0027%; no homozygotes.

Submissions (2):

Fulgent Genetics
Classification: Uncertain significance for Polycystic kidney disease, adult type. Last evaluated: 2024-03-12. Review status: criteria provided, single submitter. Criteria: ACMG Guidelines, 2015. Collection method: clinical testing. Allele origin: germline.

GeneDx
Classification: Uncertain significance. Last evaluated: 2019-08-19. Review status: criteria provided, single submitter. Criteria: GeneDx Variant Classification Process June 2021. Collection method: clinical testing. Allele origin: germline. Affected: yes.
Comment: Not observed at a significant frequency in large population cohorts (Lek et al., 2016); In silico analysis, which includes protein predictors and evolutionary conservation, supports that this variant does not alter protein structure/function; Has not been previously published as pathogenic or benign to our knowledge

NM_001009944.3(PKD1):c.9688G>C (p.Val3230Leu)

Gene: PKD1 (polycystin 1, transient receptor potential channel interacting; minus strand). Cytogenetic location: 16p13.3.
Variant type: single nucleotide variant.
Coding change: c.9688G>C on transcript NM_001009944.3 (MANE Select); coding-DNA position 9688, G replaced by C.
Protein change: p.Val3230Leu; replaces valine 3230 with leucine.
Molecular consequence: missense variant.
Genome position (GRCh38, 1-based): chr16:2,100,190, C>G on the plus strand (G>C on the coding strand, the complement: PKD1 is on the minus strand). VCF-style: chr16-2100190-C-G. GRCh37 (hg19) VCF-style: chr16-2150191-C-G.
Other names: c.9688G>C, p.Val3230Leu (NM_000296.4); short protein forms V3230L.
Identifiers: ClinVar variation 1307951 (VCV001307951.4), dbSNP rs747054731, ClinGen allele CA7829975.
Genomic context (GRCh38, chr16:2,100,190, plus strand): 5'-CCTCCCACGGAGTGGGAACATGGAACGAGGCCTTACTCGCGGCCAGCACCTCCTTCTCCA[C>G]CAGGCCCCCGTTGGCCTCCGTCTCCACCGAAAGCCAGTCATTGACCAGGAAGAAGGCGCT-3'
Protein context (NP_001009944.3, residues 3220-3240): SVETEANGGL[Val3230Leu]EKEVLAASDA